The following is an entry in ClinVar:

ClinVar aggregate classification (germline): Uncertain significance (1 of 4 stars; one submission).

Allele frequency attached by ClinVar (database versions not stated): gnomAD exomes 0.00001; ExAC 0.00004.
gnomAD v4.1: 20 of 1,612,956 alleles (0.0012%); highest among the groups gnomAD compares: East Asian, 0.0022%; no homozygotes.

Submission:

Labcorp Genetics (formerly Invitae), Labcorp
Classification: Uncertain significance. Last evaluated: 2022-11-22. Review status: criteria provided, single submitter. Criteria: Invitae Variant Classification Sherloc (09022015). Collection method: clinical testing. Allele origin: germline.
Comment: This sequence change replaces aspartic acid, which is acidic and polar, with asparagine, which is neutral and polar, at codon 1222 of the BRD4 protein (p.Asp1222Asn). This variant is present in population databases (rs775138875, gnomAD 0.01%). This variant has not been reported in the literature in individuals affected with BRD4-related conditions. Algorithms developed to predict the effect of missense changes on protein structure and function are either unavailable or do not agree on the potential impact of this missense change (SIFT: "Deleterious"; PolyPhen-2: "Benign"; Align-GVGD: "Class C0"). In summary, the available evidence is currently insufficient to determine the role of this variant in disease. Therefore, it has been classified as a Variant of Uncertain Significance.

NM_001379291.1(BRD4):c.3664G>A (p.Asp1222Asn)

Gene: BRD4 (bromodomain containing 4; minus strand). Cytogenetic location: 19p13.12.
Variant type: single nucleotide variant.
Coding change: c.3664G>A on transcript NM_001379291.1 (MANE Select); coding-DNA position 3664, G replaced by A.
Protein change: p.Asp1222Asn; replaces aspartic acid 1222 with asparagine.
Molecular consequence: missense variant.
Genome position (GRCh38, 1-based): chr19:15,239,177, C>T on the plus strand (G>A on the coding strand, the complement: BRD4 is on the minus strand). VCF-style: chr19-15239177-C-T. GRCh37 (hg19) VCF-style: chr19-15349988-C-T.
Other names: c.3664G>A, p.Asp1222Asn (NM_058243.3); short protein forms D1222N.
Identifiers: ClinVar variation 1977502 (VCV001977502.5), dbSNP rs775138875, ClinGen allele CA9264567.
Genomic context (GRCh38, chr19:15,239,177, plus strand): 5'-TCAGGGCCTTCTCACGCTCCTCTTTCTCCCGAGCGGCGCGGCGGAACTGCTCGAAGCTGT[C>T]GCTGGATGACTTGGCTGTGGAGGAGGGGGTGGTCGGATGCTTCTGCACTAGGCTGGCCCA-3'
Protein context (NP_001366220.1, residues 1212-1232): TPSSTAKSSS[Asp1222Asn]SFEQFRRAAR